The following is an entry in ClinVar:

ClinVar aggregate classification (germline): Likely benign (1 of 4 stars; one submission).

gnomAD v4.1: 10 of 1,613,286 alleles (0.00062%); highest among the groups gnomAD compares: Non-Finnish European, 0.00076%; no homozygotes.

Submission:

CeGaT Center for Human Genetics Tuebingen
Classification: Likely benign. Last evaluated: 2025-01-01. Review status: criteria provided, single submitter. Criteria: CeGaT Center For Human Genetics Tuebingen Variant Classification Criteria Version 2. Collection method: clinical testing. Allele origin: germline. Affected: yes. Observed: 1 variant allele.
Comment: GOLGA2: BP4, BP7

NM_001366244.2(GOLGA2):c.423C>T (p.Leu141=)

Gene: GOLGA2 (golgin A2; minus strand). Cytogenetic location: 9q34.11.
Variant type: single nucleotide variant.
Coding change: c.423C>T on transcript NM_001366244.2 (MANE Select); coding-DNA position 423, C replaced by T.
Protein change: p.Leu141=; no amino-acid change (leucine 141 retained).
Molecular consequence: synonymous variant. On other transcripts: intron variant (2).
Genome position (GRCh38, 1-based): chr9:128,268,131, G>A on the plus strand (C>T on the coding strand, the complement: GOLGA2 is on the minus strand). VCF-style: chr9-128268131-G-A. GRCh37 (hg19) VCF-style: chr9-131030410-G-A.
Other names: c.342C>T, p.Leu114= (NM_001389701.2, NM_001389703.2, NM_004486.6 and 1 more transcripts); c.237C>T, p.Leu79= (NM_001389702.2); c.208-2111C>T (NM_001389705.2); c.208-1806C>T (NM_001389704.2); c.423C>T, p.Leu141= (NM_001366246.2, NM_001389695.2, NM_001389696.2 and 3 more transcripts).
Identifiers: ClinVar variation 3772360 (VCV003772360.13).